The following is an entry in ClinVar:

NM_001256071.3(RNF213):c.6372T>C (p.Leu2124=)

Gene: RNF213 (ring finger protein 213; plus strand). Cytogenetic location: 17q25.3.
Variant type: single nucleotide variant.
Coding change: c.6372T>C on transcript NM_001256071.3 (MANE Select); coding-DNA position 6372, T replaced by C.
Protein change: p.Leu2124=; no amino-acid change (leucine 2124 retained).
Molecular consequence: synonymous variant.
Genome position (GRCh38, 1-based): chr17:80,344,707, T>C. VCF-style: chr17-80344707-T-C. GRCh37 (hg19) VCF-style: chr17-78318507-T-C.
Other names: p.Leu2124=.
Identifiers: ClinVar variation 784368 (VCV000784368.9), dbSNP rs78912458, ClinGen allele CA8820537.

ClinVar aggregate classification (germline): Benign. Review status: criteria provided, multiple submitters, no conflicts (2 of 4 stars). 3 submissions from 3 submitters: Benign (3). Last evaluated 2026-01-25.

Allele frequency attached by ClinVar (database versions not stated): gnomAD exomes 0.00333; ExAC 0.00436; 1000 Genomes Project 0.01338; TOPMed 0.01408; 1000 Genomes Project 30x 0.01499; ESP Exome Variant Server 0.01522; gnomAD 0.01227 and 0.01315.

Submissions (3):

Labcorp Genetics (formerly Invitae), Labcorp
Classification: Benign. Last evaluated: 2026-01-25. Review status: criteria provided, single submitter. Criteria: Invitae Variant Classification Sherloc (09022015). Collection method: clinical testing. Allele origin: germline.

Mayo Clinic Laboratories, Mayo Clinic
Classification: Benign. Last evaluated: 2024-02-22. Review status: criteria provided, single submitter. Criteria: ACMG Guidelines, 2015. Collection method: clinical testing. Allele origin: germline. Observed: 11 variant alleles.
Comment: BS1, BS2, BP4, BP7

Breakthrough Genomics
Classification: Benign. Review status: criteria provided, single submitter. Criteria: ACMG Guidelines, 2015. Collection method: not provided. Allele origin: germline. Inheritance: Autosomal dominant inheritance. Affected: yes.